The following is an entry in ClinVar:

NM_000264.5(PTCH1):c.1814A>T (p.Asp605Val)

Genes: PTCH1 (patched 1; minus strand), LOC100507346 (uncharacterized LOC100507346; plus strand). Cytogenetic location: 9q22.32.
Variant type: single nucleotide variant.
Coding change: c.1814A>T on transcript NM_000264.5 (MANE Select); coding-DNA position 1814, A replaced by T.
Protein change: p.Asp605Val; replaces aspartic acid 605 with valine.
Molecular consequence: missense variant. On other transcripts: non-coding transcript variant (2).
Genome position (GRCh38, 1-based): chr9:95,469,846, T>A on the plus strand (A>T on the coding strand, the complement: PTCH1 is on the minus strand). VCF-style: chr9-95469846-T-A. GRCh37 (hg19) VCF-style: chr9-98232128-T-A.
Other names: c.1616A>T, p.Asp539Val (NM_001083602.3); c.1811A>T, p.Asp604Val (NM_001083603.3); c.1361A>T, p.Asp454Val (NM_001083604.3, NM_001083605.3, NM_001083606.3 and 1 more transcripts); c.1658A>T, p.Asp553Val (NM_001354918.2); short protein forms D454V, D604V, D539V, D553V, D605V.
Identifiers: ClinVar variation 5027509 (VCV005027509.1).
Genomic context (GRCh38, chr9:95,469,846, plus strand): 5'-AAAGGCCACAGCAGTCTGAAAATGTACCTTGTAAAACAGCAGAAAATATCCAGTCTCCTG[T>A]CCTCGCGTCGATATAAATCCATGCTGAGAATTGCAGGAAAAATGAGCAGAACCATGGCAA-3'
Protein context (NP_000255.2, residues 595-615): ILSMDLYRRE[Asp605Val]RRLDIFCCFT

ClinVar aggregate classification (germline): Uncertain significance (1 of 4 stars; one submission).

Conditions:
Hereditary cancer-predisposing syndrome. Also called: Neoplastic Syndromes, Hereditary; Tumor predisposition; Hereditary neoplastic syndrome; Hereditary Cancer Syndrome. Identifiers: Orphanet 140162, MedGen C0027672, MeSH D009386, MONDO:0015356.

gnomAD v4.1: 1 of 1,614,044 alleles (0.000062%); no homozygotes.

Submission:

Ambry Genetics
Classification: Uncertain significance for Hereditary cancer-predisposing syndrome. Last evaluated: 2026-07-07. Review status: criteria provided, single submitter. Criteria: Ambry Variant Classification Scheme 2023. Collection method: clinical testing. Allele origin: germline.
Comment: The p.D539V variant (also known as c.1616A>T), located in coding exon 13 of the PTCH1 gene, results from an A to T substitution at nucleotide position 1616. The aspartic acid at codon 539 is replaced by valine, an amino acid with highly dissimilar properties. This amino acid position is conserved. In addition, the in silico prediction for this alteration is inconclusive. Based on the available evidence, the clinical significance of this variant remains unclear.